The following is an entry in ClinVar:

ClinVar aggregate classification (germline): Uncertain significance. Review status: criteria provided, multiple submitters, no conflicts (2 of 4 stars). 2 submissions from 2 submitters: Uncertain significance (2). Last evaluated 2025-11-01.

Submissions (2):

CeGaT Center for Human Genetics Tuebingen
Classification: Uncertain significance. Last evaluated: 2025-11-01. Review status: criteria provided, single submitter. Criteria: CeGaT Center For Human Genetics Tuebingen Variant Classification Criteria Version 2. Collection method: clinical testing. Allele origin: germline. Affected: yes. Observed: 1 variant allele.
Comment: HUWE1: PM2

GeneDx
Classification: Uncertain significance. Last evaluated: 2024-03-05. Review status: criteria provided, single submitter. Criteria: GeneDx Variant Classification Process June 2021. Collection method: clinical testing. Allele origin: germline. Affected: yes.
Comment: Not observed at significant frequency in large population cohorts (gnomAD); In silico analysis supports that this missense variant does not alter protein structure/function; Has not been previously published as pathogenic or benign to our knowledge

NM_031407.7(HUWE1):c.8222C>G (p.Pro2741Arg)

Gene: HUWE1 (HECT, UBA and WWE domain containing E3 ubiquitin protein ligase 1; minus strand). Cytogenetic location: Xp11.22.
Variant type: single nucleotide variant.
Coding change: c.8222C>G on transcript NM_031407.7 (MANE Select); coding-DNA position 8222, C replaced by G.
Protein change: p.Pro2741Arg; replaces proline 2741 with arginine.
Molecular consequence: missense variant.
Genome position (GRCh38, 1-based): chrX:53,554,905, G>C on the plus strand (C>G on the coding strand, the complement: HUWE1 is on the minus strand). VCF-style: chrX-53554905-G-C. GRCh37 (hg19) VCF-style: chrX-53581866-G-C.
Other names: short protein forms P2741R.
Identifiers: ClinVar variation 3370547 (VCV003370547.7).
Genomic context (GRCh38, chrX:53,554,905, plus strand): 5'-GTCTCCTTGGACTCAGATGTAGCTGCATCAGTTGAAGATGGGGTTGTTGGGTAGCTGTCA[G>C]GCATAGGCGTCCCATCTTTCTCGGAAAGAACAATAATAGTGGTTAAGGGGCAACCAGCCA-3'
Protein context (NP_113584.3, residues 2731-2751): EQNLSDGTPM[Pro2741Arg]DSYPTTPSST